The following is an entry in ClinVar:

NM_018089.3(ANKZF1):c.1624G>T (p.Ala542Ser)

Gene: ANKZF1 (ankyrin repeat and zinc finger peptidyl tRNA hydrolase 1; plus strand). Cytogenetic location: 2q35.
Variant type: single nucleotide variant.
Coding change: c.1624G>T on transcript NM_018089.3 (MANE Select); coding-DNA position 1624, G replaced by T.
Protein change: p.Ala542Ser; replaces alanine 542 with serine.
Molecular consequence: missense variant.
Genome position (GRCh38, 1-based): chr2:219,235,245, G>T. VCF-style: chr2-219235245-G-T. GRCh37 (hg19) VCF-style: chr2-220099967-G-T.
Other names: c.1624G>T, p.Ala542Ser (NM_001042410.2); c.994G>T, p.Ala332Ser (NM_001282792.2); short protein forms A332S, A542S.
Identifiers: ClinVar variation 4734602 (VCV004734602.1).

ClinVar aggregate classification (germline): Uncertain significance (1 of 4 stars; one submission).

Submission:

Labcorp Genetics (formerly Invitae), Labcorp
Classification: Uncertain significance. Last evaluated: 2026-01-02. Review status: criteria provided, single submitter. Criteria: Invitae Variant Classification Sherloc (09022015). Collection method: clinical testing. Allele origin: germline.
Comment: This sequence change replaces alanine, which is neutral and non-polar, with serine, which is neutral and polar, at codon 542 of the ANKZF1 protein (p.Ala542Ser). This variant is present in population databases (no rsID available, gnomAD 0.0009%). This variant has not been reported in the literature in individuals affected with ANKZF1-related conditions. An algorithm developed to predict the effect of missense changes on protein structure and function (PolyPhen-2) suggests that this variant is likely to be disruptive. In summary, the available evidence is currently insufficient to determine the role of this variant in disease. Therefore, it has been classified as a Variant of Uncertain Significance.